The following is an entry in ClinVar:

ClinVar aggregate classification (germline): Benign/Likely benign. Review status: criteria provided, multiple submitters, no conflicts (2 of 4 stars). 7 submissions from 7 submitters: Benign (2); Likely benign (5). Last evaluated 2026-01-18.

Conditions:
Tuberous sclerosis 2 (TSC2). Identifiers: Orphanet 805, MedGen C1860707, MONDO:0013199, OMIM 613254.
Lymphangiomyomatosis (LAM). Also called: Lymphangioleiomyomatosis, somatic; Lymphangioleiomyomatosis. Identifiers: Orphanet 538, MedGen C0751674, MONDO:0011705, OMIM 606690.
Isolated focal cortical dysplasia type II (FCORD2). Also called: CORTICAL DYSPLASIA OF TAYLOR; Focal cortical dysplasia type II. Identifiers: Orphanet 268994, MedGen C1846385, MONDO:0011818, OMIM 607341, HP:0032051.

Allele frequency attached by ClinVar (database versions not stated): gnomAD exomes 0.00004; ExAC 0.00005; TOPMed 0.00020; 1000 Genomes Project 30x 0.00031; ESP Exome Variant Server 0.00031; 1000 Genomes Project 0.00040; gnomAD 0.00025 and 0.00026.
gnomAD v4.1: 81 of 1,614,026 alleles (0.005%); highest among the groups gnomAD compares: African/African-American, 0.079%; no homozygotes.

Submissions (7):

Labcorp Genetics (formerly Invitae), Labcorp
Classification: Likely benign for Tuberous sclerosis 2. Last evaluated: 2026-01-18. Review status: criteria provided, single submitter. Criteria: Invitae Variant Classification Sherloc (09022015). Collection method: clinical testing. Allele origin: germline.

Myriad Genetics, Inc.
Classification: Benign for Tuberous sclerosis 2. Last evaluated: 2024-09-05. Review status: criteria provided, single submitter. Criteria: Myriad Autosomal Dominant, Autosomal Recessive and X-Linked Classification Criteria (2023). Collection method: clinical testing. Allele origin: unknown.
Comment: This variant is considered benign. This variant is intronic and is not expected to impact mRNA splicing. This variant has been observed at a population frequency that is significantly greater than expected given the associated disease prevalence and penetrance.

Blueprint Genetics
Classification: Likely benign. Last evaluated: 2022-07-17. Review status: criteria provided, single submitter. Criteria: ACMG Guidelines, 2015. Collection method: clinical testing. Allele origin: germline.

Genome-Nilou Lab
Classification: Benign for Tuberous sclerosis 2. Last evaluated: 2021-11-07. Review status: criteria provided, single submitter. Criteria: ACMG Guidelines, 2015. Collection method: clinical testing. Allele origin: germline. Affected: no.

Fulgent Genetics
Classification: Likely benign for Lymphangiomyomatosis; Isolated focal cortical dysplasia type II; Tuberous sclerosis 2. Last evaluated: 2021-08-12. Review status: criteria provided, single submitter. Criteria: ACMG Guidelines, 2015. Collection method: clinical testing. Allele origin: unknown.

Center for Pediatric Genomic Medicine, Children's Mercy Hospital and Clinics
Classification: Likely benign. Last evaluated: 2017-08-24. Review status: criteria provided, single submitter. Criteria: ACMG Guidelines, 2015. Collection method: clinical testing. Allele origin: germline.

GeneDx
Classification: Likely benign. Last evaluated: 2017-02-10. Review status: criteria provided, single submitter. Criteria: GeneDx Variant Classification (06012015). Collection method: clinical testing. Allele origin: germline. Affected: yes.
Comment: This variant is considered likely benign or benign based on one or more of the following criteria: it is a conservative change, it occurs at a poorly conserved position in the protein, it is predicted to be benign by multiple in silico algorithms, and/or has population frequency not consistent with disease.

NM_000548.5(TSC2):c.1120-17C>T

Gene: TSC2 (TSC complex subunit 2; plus strand). Cytogenetic location: 16p13.3.
Variant type: single nucleotide variant.
Coding change: c.1120-17C>T on transcript NM_000548.5 (MANE Select); 17 bases into the intron before coding-DNA position 1120, C replaced by T.
Molecular consequence: intron variant.
Genome position (GRCh38, 1-based): chr16:2,061,854, C>T. VCF-style: chr16-2061854-C-T. GRCh37 (hg19) VCF-style: chr16-2111855-C-T.
Other names: c.1120-17C>T (NM_001114382.3, NM_021055.3, NM_001370405.1 and 3 more transcripts); c.1009-17C>T (NM_001318827.2); c.520-17C>T (NM_001318831.2); c.973-17C>T (NM_001318829.2); c.1153-17C>T (NM_001318832.2).
Identifiers: ClinVar variation 378774 (VCV000378774.15), dbSNP rs201704675, ClinGen allele CA028457.